The following is an entry in ClinVar:

ClinVar aggregate classification (germline): Likely pathogenic (1 of 4 stars; one submission).

Conditions:
Multiple congenital anomalies-hypotonia-seizures syndrome 1 (MCAHS1). Also called: PIGN-CDG; Congenital disorder of glycosylation due to PIGN deficiency; GLYCOSYLPHOSPHATIDYLINOSITOL BIOSYNTHESIS DEFECT 3. Identifiers: Orphanet 280633, MedGen C3279775, MONDO:0013563, OMIM 614080.

Submission:

Labcorp Genetics (formerly Invitae), Labcorp
Classification: Likely pathogenic for Multiple congenital anomalies-hypotonia-seizures syndrome 1. Last evaluated: 2019-06-26. Review status: criteria provided, single submitter. Criteria: Invitae Variant Classification Sherloc (09022015). Collection method: clinical testing. Allele origin: germline.
Comment: This variant is not present in population databases (ExAC no frequency). In summary, the currently available evidence indicates that the variant is pathogenic, but additional data are needed to prove that conclusively. Therefore, this variant has been classified as Likely Pathogenic. Donor and acceptor splice site variants typically lead to a loss of protein function (PMID: 16199547), and loss-of-function variants in PIGN are known to be pathogenic (PMID: 24253414, 27038415). Algorithms developed to predict the effect of sequence changes on RNA splicing suggest that this variant may disrupt the consensus splice site, but this prediction has not been confirmed by published transcriptional studies. This variant has not been reported in the literature in individuals with PIGN-related disease. This sequence change affects a donor splice site in intron 22 of the PIGN gene. It is expected to disrupt RNA splicing and likely results in an absent or disrupted protein product.

Literature cited by the submitters: PubMed 16199547; PubMed 24253414; PubMed 27038415.

NM_176787.5(PIGN):c.2077+2T>A

Gene: PIGN (phosphatidylinositol glycan anchor biosynthesis class N; minus strand). Cytogenetic location: 18q21.33.
Variant type: single nucleotide variant.
Coding change: c.2077+2T>A on transcript NM_176787.5 (MANE Select); the canonical splice donor site of the intron after coding-DNA position 2077, T replaced by A.
Molecular consequence: splice donor variant.
Genome position (GRCh38, 1-based): chr18:62,101,073, A>T on the plus strand (T>A on the coding strand, the complement: PIGN is on the minus strand). VCF-style: chr18-62101073-A-T. GRCh37 (hg19) VCF-style: chr18-59768306-A-T.
Other names: c.2077+2T>A (NM_012327.6).
Identifiers: ClinVar variation 653787 (VCV000653787.9), dbSNP rs1599520660, ClinGen allele CA402603339.